The following is an entry in ClinVar:

NM_015267.4(CUX2):c.3774G>A (p.Pro1258=)

Gene: CUX2 (cut like homeobox 2; plus strand). Cytogenetic location: 12q24.12.
Variant type: single nucleotide variant.
Coding change: c.3774G>A on transcript NM_015267.4 (MANE Select); coding-DNA position 3774, G replaced by A.
Protein change: p.Pro1258=; no amino-acid change (proline 1258 retained).
Molecular consequence: synonymous variant.
Genome position (GRCh38, 1-based): chr12:111,347,638, G>A. VCF-style: chr12-111347638-G-A. GRCh37 (hg19) VCF-style: chr12-111785442-G-A.
Other names: c.3588G>A, p.Pro1196= (NM_001370598.1); c.3774G>A (NM_015267.3).
Identifiers: ClinVar variation 2498567 (VCV002498567.29), dbSNP rs200919469, ClinGen allele CA6789216.

ClinVar aggregate classification (germline): Benign. Review status: criteria provided, multiple submitters, no conflicts (2 of 4 stars). 2 submissions from 2 submitters: Benign (2). Last evaluated 2026-09-01.

Conditions:
CUX2-related disorder. Also called: CUX2-related condition.

Allele frequency attached by ClinVar (database versions not stated): 1000 Genomes Project 0.00120; ESP Exome Variant Server 0.00149; TOPMed 0.00158; gnomAD 0.00181; ExAC 0.00185.
gnomAD v4.1: 2,419 of 678,286 alleles (0.36%); highest among the groups gnomAD compares: Middle Eastern, 5.5%; 24 homozygotes.

Submissions (2):

CeGaT Center for Human Genetics Tuebingen
Classification: Benign. Last evaluated: 2026-09-01. Review status: criteria provided, single submitter. Criteria: CeGaT Center For Human Genetics Tuebingen Variant Classification Criteria Version 2. Collection method: clinical testing. Allele origin: germline. Affected: yes. Observed: 29 variant alleles.
Comment: CUX2: BP4, BP7, BS1, BS2

PreventionGenetics, part of Exact Sciences
Classification: Benign for CUX2-related condition. Last evaluated: 2025-02-04. Review status: criteria provided, single submitter. Criteria: ACMG Guidelines, 2015. Collection method: clinical testing. Allele origin: germline.
Comment: This variant is classified as benign based on ACMG/AMP sequence variant interpretation guidelines (Richards et al. 2015 PMID: 25741868, with internal and published modifications).